The following is an entry in ClinVar:

NM_001001433.3(STX16):c.377C>G (p.Thr126Ser)

Genes: STX16 (syntaxin 16; plus strand), STX16-NPEPL1 (STX16-NPEPL1 readthrough (NMD candidate); plus strand). Cytogenetic location: 20q13.32.
Variant type: single nucleotide variant.
Coding change: c.377C>G on transcript NM_001001433.3 (MANE Select); coding-DNA position 377, C replaced by G.
Protein change: p.Thr126Ser; replaces threonine 126 with serine.
Molecular consequence: missense variant. On other transcripts: non-coding transcript variant (4).
Genome position (GRCh38, 1-based): chr20:58,668,111, C>G. VCF-style: chr20-58668111-C-G. GRCh37 (hg19) VCF-style: chr20-57243167-C-G.
Other names: c.365C>G, p.Thr122Ser (NM_001134772.3); c.326C>G, p.Thr109Ser (NM_001134773.3); c.218C>G, p.Thr73Ser (NM_001204868.2); c.314C>G, p.Thr105Ser (NM_003763.6); short protein forms T105S, T73S, T109S, T122S, T126S.
Identifiers: ClinVar variation 3658806 (VCV003658806.2).

ClinVar aggregate classification (germline): Uncertain significance (1 of 4 stars; one submission).

gnomAD v4.1: 2 of 1,614,126 alleles (0.00012%); highest among the groups gnomAD compares: African/African-American, 0.0027%; no homozygotes.

Submission:

Labcorp Genetics (formerly Invitae), Labcorp
Classification: Uncertain significance. Last evaluated: 2024-07-11. Review status: criteria provided, single submitter. Criteria: Invitae Variant Classification Sherloc (09022015). Collection method: clinical testing. Allele origin: germline.
Comment: This sequence change replaces threonine, which is neutral and polar, with serine, which is neutral and polar, at codon 126 of the STX16 protein (p.Thr126Ser). This variant is present in population databases (no rsID available, gnomAD 0.01%). This variant has not been reported in the literature in individuals affected with STX16-related conditions. Advanced modeling of protein sequence and biophysical properties (such as structural, functional, and spatial information, amino acid conservation, physicochemical variation, residue mobility, and thermodynamic stability) performed at Invitae indicates that this missense variant is not expected to disrupt STX16 protein function with a negative predictive value of 80%. In summary, the available evidence is currently insufficient to determine the role of this variant in disease. Therefore, it has been classified as a Variant of Uncertain Significance.